The following is an entry in ClinVar:

ClinVar aggregate classification (germline): Uncertain significance (1 of 4 stars; one submission).

Conditions:
Early-infantile DEE. Also called: Early infantile epileptic encephalopathy; Ohtahara syndrome; Early infantile epileptic encephalopathy with suppression bursts. Identifiers: Orphanet 1934, MedGen C0393706, MONDO:0800491.

Submission:

Labcorp Genetics (formerly Invitae), Labcorp
Classification: Uncertain significance for Early-infantile DEE. Last evaluated: 2025-09-16. Review status: criteria provided, single submitter. Criteria: Invitae Variant Classification Sherloc (09022015). Collection method: clinical testing. Allele origin: germline.
Comment: This sequence change replaces arginine, which is basic and polar, with cysteine, which is neutral and slightly polar, at codon 70 of the KCNQ2 protein (p.Arg70Cys). This variant is not present in population databases (gnomAD no frequency). This variant has not been reported in the literature in individuals affected with KCNQ2-related conditions. Invitae Evidence Modeling of protein sequence and biophysical properties (such as structural, functional, and spatial information, amino acid conservation, physicochemical variation, residue mobility, and thermodynamic stability) indicates that this missense variant is expected to disrupt KCNQ2 protein function with a positive predictive value of 95%. In summary, the available evidence is currently insufficient to determine the role of this variant in disease. Therefore, it has been classified as a Variant of Uncertain Significance.

NM_172107.4(KCNQ2):c.208C>T (p.Arg70Cys)

Gene: KCNQ2 (potassium voltage-gated channel subfamily Q member 2; minus strand). Cytogenetic location: 20q13.33.
Variant type: single nucleotide variant.
Coding change: c.208C>T on transcript NM_172107.4 (MANE Select); coding-DNA position 208, C replaced by T.
Protein change: p.Arg70Cys; replaces arginine 70 with cysteine.
Molecular consequence: missense variant.
Genome position (GRCh38, 1-based): chr20:63,472,256, G>A on the plus strand (C>T on the coding strand, the complement: KCNQ2 is on the minus strand). VCF-style: chr20-63472256-G-A. GRCh37 (hg19) VCF-style: chr20-62103609-G-A.
Other names: c.208C>T, p.Arg70Cys (NM_001382235.1, NM_001439003.1, NM_001439004.1 and 4 more transcripts); short protein forms R70C.
Identifiers: ClinVar variation 4762324 (VCV004762324.1).